The following is an entry in ClinVar:

NM_001363705.2(UBR2):c.1281+1950_1281+1958dup

Gene: UBR2 (ubiquitin protein ligase E3 component n-recognin 2; plus strand). Cytogenetic location: 6p21.1.
Variant type: Duplication.
Coding change: c.1281+1950_1281+1958dup on transcript NM_001363705.2 (MANE Select); bases 1950 to 1958 of the intron after coding-DNA position 1281, 9 bases duplicated (TTTTTTTTT; older notation c.1281+1950_1281+1958dupTTTTTTTTT).
Molecular consequence: intron variant.
Genome position (GRCh38, 1-based): chr6:42,619,457-42,619,465, TTTTTTTTT duplicated; duplicating any 9 consecutive bases within chr6:42,619,454-42,619,465 gives the same sequence; the c. name uses the placement nearest the transcript's 3' end. VCF-style (leftmost placement, unchanged base first): chr6-42619453-A-ATTTTTTTTT. GRCh37 (hg19) VCF-style: chr6-42587191-A-ATTTTTTTTT.
Other names: c.1281+2119_1281+2127dup (NM_015255.3); c.1282-11_1282-3dup (NM_001184801.2).
Identifiers: ClinVar variation 2656559 (VCV002656559.24), dbSNP rs1554251969, ClinGen allele CA824863343.

ClinVar aggregate classification (germline): Likely benign (1 of 4 stars; one submission).

Submission:

CeGaT Center for Human Genetics Tuebingen
Classification: Likely benign. Last evaluated: 2026-04-01. Review status: criteria provided, single submitter. Criteria: CeGaT Center For Human Genetics Tuebingen Variant Classification Criteria Version 2. Collection method: clinical testing. Allele origin: germline. Affected: yes. Observed: 4 variant alleles.
Comment: UBR2: BS2